The following is an entry in ClinVar:

NM_005477.3(HCN4):c.2033A>G (p.Tyr678Cys)

Gene: HCN4 (hyperpolarization activated cyclic nucleotide gated potassium channel 4; minus strand). Cytogenetic location: 15q24.1.
Variant type: single nucleotide variant.
Coding change: c.2033A>G on transcript NM_005477.3 (MANE Select); coding-DNA position 2033, A replaced by G.
Protein change: p.Tyr678Cys; replaces tyrosine 678 with cysteine.
Molecular consequence: missense variant.
Genome position (GRCh38, 1-based): chr15:73,324,199, T>C on the plus strand (A>G on the coding strand, the complement: HCN4 is on the minus strand). VCF-style: chr15-73324199-T-C. GRCh37 (hg19) VCF-style: chr15-73616540-T-C.
Other names: c.2033A>G (NM_005477.2); short protein forms Y678C.
Identifiers: ClinVar variation 2919646 (VCV002919646.3), dbSNP rs1449535764, ClinGen allele CA393090247.
Genomic context (GRCh38, chr15:73,324,199, plus strand): 5'-ATGGGGTACTCCTCCAGCACCTCATTGAAGTTGTCCACGCTCAGCGAGTAGAGGCGGCAG[T>C]AGGTGTCGGCCCTCACGCTGGCTGTGCGCCGGCCCCGGGTCAGCAGGCAGATCTCTGCCA-3'
Protein context (NP_005468.1, residues 668-688): RRTASVRADT[Tyr678Cys]CRLYSLSVDN

ClinVar aggregate classification (germline): Uncertain significance. Review status: criteria provided, multiple submitters, no conflicts (2 of 4 stars). 2 submissions from 2 submitters: Uncertain significance (2). Last evaluated 2025-09-02.

Conditions:
Brugada syndrome 8 (BRGDA8). Identifiers: Orphanet 130, MedGen C2751083, MONDO:0013148, OMIM 613123.
Cardiovascular phenotype. Identifiers: MedGen CN230736.

Allele frequency attached by ClinVar (database versions not stated): TOPMed below 0.00001; gnomAD exomes 0.00001.
gnomAD v4.1: 3 of 1,614,076 alleles (0.00019%); highest among the groups gnomAD compares: Non-Finnish European, 0.00025%; no homozygotes.

Submissions (2):

Labcorp Genetics (formerly Invitae), Labcorp
Classification: Uncertain significance for Brugada syndrome 8. Last evaluated: 2025-09-02. Review status: criteria provided, single submitter. Criteria: Invitae Variant Classification Sherloc (09022015). Collection method: clinical testing. Allele origin: germline.
Comment: This sequence change replaces tyrosine, which is neutral and polar, with cysteine, which is neutral and slightly polar, at codon 678 of the HCN4 protein (p.Tyr678Cys). This variant is present in population databases (no rsID available, gnomAD 0.002%). This variant has not been reported in the literature in individuals affected with HCN4-related conditions. ClinVar contains an entry for this variant (Variation ID: 2919646). Invitae Evidence Modeling of protein sequence and biophysical properties (such as structural, functional, and spatial information, amino acid conservation, physicochemical variation, residue mobility, and thermodynamic stability) indicates that this missense variant is expected to disrupt HCN4 protein function with a positive predictive value of 95%. In summary, the available evidence is currently insufficient to determine the role of this variant in disease. Therefore, it has been classified as a Variant of Uncertain Significance.

Ambry Genetics
Classification: Uncertain significance for Cardiovascular phenotype. Last evaluated: 2024-09-02. Review status: criteria provided, single submitter. Criteria: Ambry Variant Classification Scheme 2023. Collection method: clinical testing. Allele origin: germline.